The following is an entry in ClinVar:

NM_004667.6(HERC2):c.6110C>T (p.Pro2037Leu)

Gene: HERC2 (HECT and RLD domain containing E3 ubiquitin protein ligase 2; minus strand). Cytogenetic location: 15q13.1.
Variant type: single nucleotide variant.
Coding change: c.6110C>T on transcript NM_004667.6 (MANE Select); coding-DNA position 6110, C replaced by T.
Protein change: p.Pro2037Leu; replaces proline 2037 with leucine.
Molecular consequence: missense variant.
Genome position (GRCh38, 1-based): chr15:28,215,721, G>A on the plus strand (C>T on the coding strand, the complement: HERC2 is on the minus strand). VCF-style: chr15-28215721-G-A. GRCh37 (hg19) VCF-style: chr15-28460867-G-A.
Other names: c.6110C>T (NM_004667.4); short protein forms P2037L.
Identifiers: ClinVar variation 2636057 (VCV002636057.2), dbSNP rs2905939, ClinGen allele CA7442152.
Genomic context (GRCh38, chr15:28,215,721, plus strand): 5'-TCCACGACCTTCATGAGCAGCGTGATCCACTGCGGGGAGCTGAGGGCGCCGCATACCTGC[G>A]GCGTGAGAGCGATGCTCCGCACAAACCCCAGCGTGCACCAGCTCCGGTGTTGCTCCCTGT-3'
Protein context (NP_004658.3, residues 2027-2047): LGFVRSIALT[Pro2037Leu]QVCGALSSPQ

ClinVar aggregate classification (germline): Uncertain significance. Review status: criteria provided, multiple submitters, no conflicts (2 of 4 stars). 2 submissions from 2 submitters: Uncertain significance (2). Last evaluated 2022-11-07.

Conditions:
Inborn genetic diseases. Identifiers: MedGen C0950123, MeSH D030342.
HERC2-related disorder. Also called: HERC2-related condition.

Allele frequency attached by ClinVar (database versions not stated): ExAC 0.00005; gnomAD exomes 0.00005; TOPMed 0.00010; ESP Exome Variant Server 0.00015.
gnomAD v4.1: 75 of 1,611,976 alleles (0.0047%); highest among the groups gnomAD compares: Admixed American, 0.0083%; no homozygotes.

Submissions (2):

PreventionGenetics, part of Exact Sciences
Classification: Uncertain significance for HERC2-related condition. Last evaluated: 2022-11-07. Review status: criteria provided, single submitter. Criteria: ACMG Guidelines, 2015. Collection method: clinical testing. Allele origin: germline.
Comment: The HERC2 c.6110C>T variant is predicted to result in the amino acid substitution p.Pro2037Leu. To our knowledge, this variant has not been reported in the literature. This variant is reported in 0.010% of alleles in individuals of East Asian descent in gnomAD. At this time, the clinical significance of this variant is uncertain due to the absence of conclusive functional and genetic evidence.

Ambry Genetics
Classification: Uncertain significance for Inborn genetic diseases. Last evaluated: 2021-06-02. Review status: criteria provided, single submitter. Criteria: Ambry Variant Classification Scheme 2023. Collection method: clinical testing. Allele origin: germline.